The following is an entry in ClinVar:

ClinVar aggregate classification (germline): Uncertain significance (1 of 4 stars; one submission).

Conditions:
Hereditary cancer-predisposing syndrome. Also called: Tumor predisposition; Neoplastic Syndromes, Hereditary; Hereditary Cancer Syndrome; Hereditary neoplastic syndrome. Identifiers: Orphanet 140162, MedGen C0027672, MeSH D009386, MONDO:0015356.

Submission:

Ambry Genetics
Classification: Uncertain significance for Hereditary cancer-predisposing syndrome. Last evaluated: 2025-02-21. Review status: criteria provided, single submitter. Criteria: Ambry Variant Classification Scheme 2023. Collection method: clinical testing. Allele origin: germline.
Comment: The p.E413Q variant (also known as c.1237G>C), located in coding exon 8 of the MSH3 gene, results from a G to C substitution at nucleotide position 1237. The glutamic acid at codon 413 is replaced by glutamine, an amino acid with highly similar properties. This amino acid position is conserved. In addition, this alteration is predicted to be deleterious by in silico analysis. Based on the available evidence, the clinical significance of this variant remains unclear.

NM_002439.5(MSH3):c.1237G>C (p.Glu413Gln)

Gene: MSH3 (mutS homolog 3; plus strand). Cytogenetic location: 5q14.1.
Variant type: single nucleotide variant.
Coding change: c.1237G>C on transcript NM_002439.5 (MANE Select); coding-DNA position 1237, G replaced by C.
Protein change: p.Glu413Gln; replaces glutamic acid 413 with glutamine.
Molecular consequence: missense variant.
Genome position (GRCh38, 1-based): chr5:80,678,990, G>C. VCF-style: chr5-80678990-G-C. GRCh37 (hg19) VCF-style: chr5-79974809-G-C.
Other names: short protein forms E413Q.
Identifiers: ClinVar variation 3874996 (VCV003874996.1).
Genomic context (GRCh38, chr5:80,678,990, plus strand): 5'-GTGCAGCCTGCCACAGGCGAGGTTGTGTTTGATAGTTTCCAGGACTCTGCTTCTCGTTCA[G>C]AGCTAGAAACCCGGATGTCAAGCCTGCAGCCAGTAGAGCTGCTGCTTCCTTCGGCCTTGT-3'
Protein context (NP_002430.3, residues 403-423): DSFQDSASRS[Glu413Gln]LETRMSSLQP